The following is an entry in ClinVar:

NM_000048.4(ASL):c.231_243del (p.Phe79fs)

Gene: ASL (argininosuccinate lyase; plus strand). Cytogenetic location: 7q11.21.
Variant type: Deletion.
Coding change: c.231_243del on transcript NM_000048.4 (MANE Select); coding-DNA positions 231 to 243, 13 bases deleted (CACCTTCAAACTG).
Protein change: p.Phe79fs; shifts the reading frame from phenylalanine 79.
Molecular consequence: frameshift variant.
Genome position (GRCh38, 1-based): chr7:66,082,391-66,082,403, CACCTTCAAACTG deleted; deleting any 13 consecutive bases within chr7:66,082,390-66,082,403 gives the same sequence; the c. name uses the placement nearest the transcript's 3' end. VCF-style (leftmost placement, unchanged base first): chr7-66082389-GGCACCTTCAAACT-G. GRCh37 (hg19) VCF-style: chr7-65547376-GGCACCTTCAAACT-G.
Other names: c.231_243del, p.Phe79fs (NM_001024943.2, NM_001024944.2, NM_001024946.2); short protein forms F79fs.
Identifiers: ClinVar variation 2093251 (VCV002093251.4), dbSNP rs2484995497, ClinGen allele CA2580077292.
Genomic context (GRCh38, chr7:66,082,389, plus strand): 5'-CTGCTCACCTGACCCCGGCATTGCTGCTACCCACTACAGGTGGCTGAGGAGTGGGCCCAG[GGCACCTTCAAACT>G]GAACTCCAATGATGAGGACATCCACACAGCCAATGAGCGCCGCCTGAAGGTACGACCCCT-3'

ClinVar aggregate classification (germline): Pathogenic (1 of 4 stars; one submission).

Conditions:
Argininosuccinate lyase deficiency. Also called: Argininosuccinic aciduria; ARGININOSUCCINIC ACID LYASE DEFICIENCY; ASL DEFICIENCY. Identifiers: Orphanet 23, MedGen C0268547, MONDO:0008815, OMIM 207900, HP:0025630.

Submission:

Labcorp Genetics (formerly Invitae), Labcorp
Classification: Pathogenic for Argininosuccinate lyase deficiency. Last evaluated: 2021-11-22. Review status: criteria provided, single submitter. Criteria: Invitae Variant Classification Sherloc (09022015). Collection method: clinical testing. Allele origin: germline.
Comment: This variant has not been reported in the literature in individuals affected with ASL-related conditions. This variant is not present in population databases (gnomAD no frequency). This sequence change creates a premature translational stop signal (p.Phe79Profs*14) in the ASL gene. It is expected to result in an absent or disrupted protein product. Loss-of-function variants in ASL are known to be pathogenic (PMID: 2263616, 24166829). For these reasons, this variant has been classified as Pathogenic.

Literature cited by the submitters: PubMed 2263616; PubMed 24166829.